The following is an entry in ClinVar:

NM_004004.6(GJB2):c.593T>G (p.Val198Gly)

Gene: GJB2 (gap junction protein beta 2; minus strand). Cytogenetic location: 13q12.11.
Variant type: single nucleotide variant.
Coding change: c.593T>G on transcript NM_004004.6 (MANE Select); coding-DNA position 593, T replaced by G.
Protein change: p.Val198Gly; replaces valine 198 with glycine.
Molecular consequence: missense variant.
Genome position (GRCh38, 1-based): chr13:20,188,989, A>C on the plus strand (T>G on the coding strand, the complement: GJB2 is on the minus strand). VCF-style: chr13-20188989-A-C. GRCh37 (hg19) VCF-style: chr13-20763128-A-C.
Other names: short protein forms V198G.
Identifiers: ClinVar variation 4694002 (VCV004694002.1).

ClinVar aggregate classification (germline): Uncertain significance (1 of 4 stars; one submission).

Submission:

Labcorp Genetics (formerly Invitae), Labcorp
Classification: Uncertain significance. Last evaluated: 2025-04-18. Review status: criteria provided, single submitter. Criteria: Invitae Variant Classification Sherloc (09022015). Collection method: clinical testing. Allele origin: germline.
Comment: This sequence change replaces valine, which is neutral and non-polar, with glycine, which is neutral and non-polar, at codon 198 of the GJB2 protein (p.Val198Gly). This variant is present in population databases (rs747353660, gnomAD 0.03%). This variant has not been reported in the literature in individuals affected with GJB2-related conditions. Invitae Evidence Modeling of protein sequence and biophysical properties (such as structural, functional, and spatial information, amino acid conservation, physicochemical variation, residue mobility, and thermodynamic stability) indicates that this missense variant is expected to disrupt GJB2 protein function with a positive predictive value of 95%. In summary, the available evidence is currently insufficient to determine the role of this variant in disease. Therefore, it has been classified as a Variant of Uncertain Significance.